The following is an entry in ClinVar:

NM_004082.5(DCTN1):c.45C>T (p.Gly15=)

Gene: DCTN1 (dynactin subunit 1; minus strand). Cytogenetic location: 2p13.1.
Variant type: single nucleotide variant.
Coding change: c.45C>T on transcript NM_004082.5 (MANE Select); coding-DNA position 45, C replaced by T.
Protein change: p.Gly15=; no amino-acid change (glycine 15 retained).
Molecular consequence: synonymous variant. On other transcripts: 5 prime UTR variant (3), non-coding transcript variant (1).
Genome position (GRCh38, 1-based): chr2:74,378,234, G>A on the plus strand (C>T on the coding strand, the complement: DCTN1 is on the minus strand). VCF-style: chr2-74378234-G-A. GRCh37 (hg19) VCF-style: chr2-74605361-G-A.
Other names: p.Gly15=; c.45C>T, p.Gly15= (NM_001135040.3, NM_001190837.2); c.-7C>T (NM_001190836.2, NM_001378991.1, NM_001378992.1).
Identifiers: ClinVar variation 663856 (VCV000663856.10), dbSNP rs72466483, ClinGen allele CA1722615.

ClinVar aggregate classification (germline): Likely benign. Review status: criteria provided, multiple submitters, no conflicts (2 of 4 stars). 2 submissions from 2 submitters: Likely benign (2). Last evaluated 2025-09-28.

Conditions:
Amyotrophic lateral sclerosis type 1 (ALS1). Also called: AMYOTROPHIC LATERAL SCLEROSIS 1, FAMILIAL. Identifiers: Orphanet 803, MedGen C1862939, MONDO:0007103, OMIM 105400.
Perry syndrome. Also called: PARKINSONISM WITH ALVEOLAR HYPOVENTILATION AND MENTAL DEPRESSION. Identifiers: Orphanet 178509, MedGen C1868594, MONDO:0008201, OMIM 168605.
Neuronopathy, distal hereditary motor, type 7B. Also called: NEURONOPATHY, DISTAL HEREDITARY MOTOR, AUTOSOMAL DOMINANT 14; NEURONOPATHY, DISTAL HEREDITARY MOTOR, HARDING TYPE VIIB; NEUROPATHY, DISTAL HEREDITARY MOTOR, HARDING TYPE VIIB; NEUROPATHY, DISTAL HEREDITARY MOTOR, WITH VOCAL CORD PARALYSIS, HARDING TYPE VIIB; HMN VIIB; LOWER MOTOR NEURON DISEASE, DYNACTIN TYPE. Identifiers: Orphanet 139589, MedGen C1843315, MONDO:0011879, OMIM 607641.

Allele frequency attached by ClinVar (database versions not stated): ExAC 0.00002; gnomAD exomes 0.00002 and 0.00004; TOPMed 0.00002; gnomAD 0.00004; 1000 Genomes Project 30x 0.00016; 1000 Genomes Project 0.00020.
gnomAD v4.1: 65 of 1,608,380 alleles (0.004%); highest among the groups gnomAD compares: Non-Finnish European, 0.005%; no homozygotes.

Submissions (2):

Labcorp Genetics (formerly Invitae), Labcorp
Classification: Likely benign for Amyotrophic lateral sclerosis type 1; Neuronopathy, distal hereditary motor, type 7B; Perry syndrome. Last evaluated: 2025-09-28. Review status: criteria provided, single submitter. Criteria: Invitae Variant Classification Sherloc (09022015). Collection method: clinical testing. Allele origin: germline.

Mayo Clinic Laboratories, Mayo Clinic
Classification: Likely benign. Last evaluated: 2025-09-10. Review status: criteria provided, single submitter. Criteria: ACMG Guidelines, 2015. Collection method: clinical testing. Allele origin: germline. Observed: 2 variant alleles.
Comment: BP4, BP7

Literature cited by the submitters: PubMed 19136952 (cited by Mayo Clinic Laboratories, Mayo Clinic).